The following is an entry in ClinVar:

ClinVar aggregate classification (germline): Conflicting classifications of pathogenicity. Review status: criteria provided, conflicting classifications (1 of 4 stars). 5 submissions from 5 submitters: Uncertain significance (1); Likely benign (4). Last evaluated 2026-01-16.

Conditions:
Hereditary cancer-predisposing syndrome. Also called: Tumor predisposition; Hereditary Cancer Syndrome; Neoplastic Syndromes, Hereditary; Hereditary neoplastic syndrome. Identifiers: Orphanet 140162, MedGen C0027672, MeSH D009386, MONDO:0015356.
Multiple endocrine neoplasia, type 2 (MEN2). Identifiers: Orphanet 653, MedGen C4048306, MONDO:0019003. Disease mechanism: gain of function.

Allele frequency attached by ClinVar (database versions not stated): gnomAD 0.00001; gnomAD exomes 0.00001; TOPMed 0.00001.
gnomAD v4.1: 6 of 1,506,340 alleles (0.0004%); highest among the groups gnomAD compares: East Asian, 0.0079%; no homozygotes.

Submissions (5):

Labcorp Genetics (formerly Invitae), Labcorp
Classification: Likely benign for Multiple endocrine neoplasia, type 2. Last evaluated: 2026-01-16. Review status: criteria provided, single submitter. Criteria: Invitae Variant Classification Sherloc (09022015). Collection method: clinical testing. Allele origin: germline.

Blueprint Genetics
Classification: Likely benign. Last evaluated: 2024-09-16. Review status: criteria provided, single submitter. Criteria: ACMG Guidelines, 2015. Collection method: clinical testing. Allele origin: germline.

All of Us Research Program, National Institutes of Health
Classification: Likely benign for Multiple endocrine neoplasia, type 2. Last evaluated: 2024-05-30. Review status: criteria provided, single submitter. Criteria: ACMG Guidelines, 2015. Collection method: clinical testing. Allele origin: germline. Inheritance: Autosomal dominant inheritance. Observed: 2 variant alleles, 2 heterozygotes.
Comment: This study involves interpretation of variants in research participants for the purpose of population health screening. Participant phenotype was not available at the time of variant classification. Additional details can be found in publication PMID: 35346344, PMCID: PMC8962531

Institute for Clinical Genetics, University Hospital TU Dresden, University Hospital TU Dresden
Classification: Uncertain significance. Last evaluated: 2021-11-03. Review status: criteria provided, single submitter. Criteria: ACMG Guidelines, 2015. Collection method: clinical testing. Allele origin: germline.

Ambry Genetics
Classification: Likely benign for Hereditary cancer-predisposing syndrome. Last evaluated: 2018-12-30. Review status: criteria provided, single submitter. Criteria: Ambry Variant Classification Scheme 2023. Collection method: clinical testing. Allele origin: germline.

NM_020975.6(RET):c.18C>T (p.Ser6=)

Genes: RET (ret proto-oncogene; plus strand), LOC106736614 (RET 5' regulatory region; plus strand). Cytogenetic location: 10q11.21.
Variant type: single nucleotide variant.
Coding change: c.18C>T on transcript NM_020975.6 (MANE Select); coding-DNA position 18, C replaced by T.
Protein change: p.Ser6=; no amino-acid change (serine 6 retained).
Molecular consequence: synonymous variant.
Genome position (GRCh38, 1-based): chr10:43,077,276, C>T. VCF-style: chr10-43077276-C-T. GRCh37 (hg19) VCF-style: chr10-43572724-C-T.
Other names: c.18C>T, p.Ser6= (NM_000323.2, NM_001406743.1, NM_001406744.1 and 38 more transcripts).
Identifiers: ClinVar variation 477331 (VCV000477331.23), dbSNP rs1185431356, ClinGen allele CA469274810.